The following is an entry in ClinVar:

ClinVar aggregate classification (germline): Conflicting classifications of pathogenicity. Review status: criteria provided, conflicting classifications (1 of 4 stars). 4 submissions from 4 submitters: Uncertain significance (1); Benign (1); Likely benign (1). 1 of the submissions does not count toward it. Last evaluated 2026-01-25.

Conditions:
Autosomal recessive spinocerebellar ataxia 10. Identifiers: Orphanet 284289, MedGen C3150998, MONDO:0013392, OMIM 613728.
ANO10-related disorder. Also called: ANO10-related condition.

Allele frequency attached by ClinVar (database versions not stated): gnomAD exomes 0.00018 and 0.00039; ExAC 0.00086; 1000 Genomes Project 0.00100; 1000 Genomes Project 30x 0.00125; gnomAD 0.00168 and 0.00180; ESP Exome Variant Server 0.00185; TOPMed 0.00190.
gnomAD v4.1: 528 of 1,600,592 alleles (0.033%); highest among the groups gnomAD compares: African/African-American, 0.62%; no homozygotes.

Submissions (4):

Labcorp Genetics (formerly Invitae), Labcorp
Classification: Likely benign. Last evaluated: 2026-01-25. Review status: criteria provided, single submitter. Criteria: Invitae Variant Classification Sherloc (09022015). Collection method: clinical testing. Allele origin: germline.

Athena Diagnostics
Classification: Benign. Last evaluated: 2024-08-13. Review status: criteria provided, single submitter. Criteria: Athena Diagnostics Criteria. Collection method: clinical testing. Allele origin: unknown.

Illumina Laboratory Services, Illumina
Classification: Uncertain significance for Autosomal recessive spinocerebellar ataxia 10. Last evaluated: 2018-01-12. Review status: criteria provided, single submitter. Criteria: ICSL Variant Classification Criteria 13 December 2019. Collection method: clinical testing. Allele origin: germline.

PreventionGenetics, part of Exact Sciences
Classification: Likely benign for ANO10-related condition. Last evaluated: 2020-05-26. Review status: no assertion criteria provided. Collection method: clinical testing. Allele origin: germline. Not counted in ClinVar's aggregate classification.
Comment: This variant is classified as likely benign based on ACMG/AMP sequence variant interpretation guidelines (Richards et al. 2015 PMID: 25741868, with internal and published modifications).

Literature cited by the submitters: PubMed 33223419 (cited by Athena Diagnostics).

NM_018075.5(ANO10):c.1954A>G (p.Met652Val)

Gene: ANO10 (anoctamin 10; minus strand). Cytogenetic location: 3p22.1.
Variant type: single nucleotide variant.
Coding change: c.1954A>G on transcript NM_018075.5 (MANE Select); coding-DNA position 1954, A replaced by G.
Protein change: p.Met652Val; replaces methionine 652 with valine.
Molecular consequence: missense variant. On other transcripts: 3 prime UTR variant (1).
Genome position (GRCh38, 1-based): chr3:43,366,935, T>C on the plus strand (A>G on the coding strand, the complement: ANO10 is on the minus strand). VCF-style: chr3-43366935-T-C. GRCh37 (hg19) VCF-style: chr3-43408427-T-C.
Other names: c.*73A>G (NM_001204831.3); c.1756A>G, p.Met586Val (NM_001204832.3, NM_001346466.2, NM_001346469.2); c.1621A>G, p.Met541Val (NM_001204833.3); c.1384A>G, p.Met462Val (NM_001204834.3); c.1954A>G, p.Met652Val (NM_001346463.2, NM_001346468.2); c.2071A>G, p.Met691Val (NM_001346464.2, NM_001346467.2); c.1837A>G, p.Met613Val (NM_001346465.2); c.1954A>G (NM_018075.4); short protein forms M462V, M541V, M586V, M691V, M613V, M652V.
Identifiers: ClinVar variation 741951 (VCV000741951.17), dbSNP rs147989825, ClinGen allele CA2340606.